The following is an entry in ClinVar:

NM_199420.4(POLQ):c.3046G>A (p.Val1016Ile)

Gene: POLQ (DNA polymerase theta; minus strand). Cytogenetic location: 3q13.33.
Variant type: single nucleotide variant.
Coding change: c.3046G>A on transcript NM_199420.4 (MANE Select); coding-DNA position 3046, G replaced by A.
Protein change: p.Val1016Ile; replaces valine 1016 with isoleucine.
Molecular consequence: missense variant.
Genome position (GRCh38, 1-based): chr3:121,489,885, C>T on the plus strand (G>A on the coding strand, the complement: POLQ is on the minus strand). VCF-style: chr3-121489885-C-T. GRCh37 (hg19) VCF-style: chr3-121208732-C-T.
Other names: short protein forms V1016I.
Identifiers: ClinVar variation 3308557 (VCV003308557.1).
Genomic context (GRCh38, chr3:121,489,885, plus strand): 5'-TCATCTTTTCTGAATTGAAATTCAAAGGTGCCTTTTTTGTTTTCTGTGAAAAAGTCTGAA[C>T]AACTTTCTTATCACTTGTTTTCCCCTCATTCTGAGAGGCTCCTGGCTTCTCTTTATTTAT-3'
Protein context (NP_955452.3, residues 1006-1026): NEGKTSDKKV[Val1016Ile]QTFSQKTKKA

ClinVar aggregate classification (germline): Uncertain significance (1 of 4 stars; one submission).

gnomAD v4.1: 3 of 1,603,534 alleles (0.00019%); highest among the groups gnomAD compares: South Asian, 0.0023%; no homozygotes.

Submission:

Ambry Genetics
Classification: Uncertain significance. Last evaluated: 2024-03-30. Review status: criteria provided, single submitter. Criteria: Ambry Variant Classification Scheme 2023. Collection method: clinical testing. Allele origin: germline.
Comment: The p.V1016I variant (also known as c.3046G>A), located in coding exon 16 of the POLQ gene, results from a G to A substitution at nucleotide position 3046. The valine at codon 1016 is replaced by isoleucine, an amino acid with highly similar properties. This amino acid position is conserved. In addition, this alteration is predicted to be tolerated by in silico analysis. Based on the available evidence, the clinical significance of this alteration remains unclear.